The following is an entry in ClinVar:

NM_001378615.1(CC2D2A):c.646G>C (p.Ala216Pro)

Genes: CC2D2A (coiled-coil and C2 domain containing 2A; plus strand), FBXL5 (F-box and leucine rich repeat protein 5; minus strand). Cytogenetic location: 4p15.32.
Variant type: single nucleotide variant.
Coding change: c.646G>C on transcript NM_001378615.1 (MANE Select); coding-DNA position 646, G replaced by C.
Protein change: p.Ala216Pro; replaces alanine 216 with proline.
Molecular consequence: missense variant.
Genome position (GRCh38, 1-based): chr4:15,511,352, G>C. VCF-style: chr4-15511352-G-C. GRCh37 (hg19) VCF-style: chr4-15512975-G-C.
Other names: c.646G>C, p.Ala216Pro (NM_001080522.2); c.499G>C, p.Ala167Pro (NM_001378617.1); short protein forms A216P, A167P.
Identifiers: ClinVar variation 2146535 (VCV002146535.5), dbSNP rs539372200, ClinGen allele CA2863456.

ClinVar aggregate classification (germline): Uncertain significance. Review status: criteria provided, multiple submitters, no conflicts (2 of 4 stars). 3 submissions from 3 submitters: Uncertain significance (3). Last evaluated 2025-01-06.

Conditions:
COACH syndrome 2. Identifiers: MedGen C5436837, MONDO:0030859, OMIM 619111.
Meckel syndrome, type 6. Identifiers: Orphanet 564, MedGen C2676790, MONDO:0012848, OMIM 612284.
Joubert syndrome 9 (JBTS9). Identifiers: Orphanet 2318, MedGen C2676788, MONDO:0012849, OMIM 612285.
Retinitis pigmentosa 93. Identifiers: MedGen C5676970, MONDO:0030797, OMIM 619845.
Joubert syndrome. Also called: JOUBERT-BOLTSHAUSER SYNDROME; Familial aplasia of the vermis. Identifiers: Orphanet 475, MedGen C5979921, MONDO:0018772.
Meckel-Gruber syndrome. Also called: DYSENCEPHALIA SPLANCHNOCYSTICA; GRUBER SYNDROME; Dysencephalia splachnocystica. Identifiers: Orphanet 564, MedGen C0265215, MONDO:0018921.

Allele frequency attached by ClinVar (database versions not stated): ExAC 0.00001; TOPMed 0.00002; gnomAD 0.00003; 1000 Genomes Project 30x 0.00016; 1000 Genomes Project 0.00020.
gnomAD v4.1: 7 of 1,579,230 alleles (0.00044%); highest among the groups gnomAD compares: African/African-American, 0.0055%; no homozygotes.

Submissions (3):

Labcorp Genetics (formerly Invitae), Labcorp
Classification: Uncertain significance for Joubert syndrome; Meckel-Gruber syndrome. Last evaluated: 2025-01-06. Review status: criteria provided, single submitter. Criteria: Invitae Variant Classification Sherloc (09022015). Collection method: clinical testing. Allele origin: germline.
Comment: This sequence change replaces alanine, which is neutral and non-polar, with proline, which is neutral and non-polar, at codon 216 of the CC2D2A protein (p.Ala216Pro). This variant is present in population databases (rs539372200, gnomAD 0.01%). This variant has not been reported in the literature in individuals affected with CC2D2A-related conditions. ClinVar contains an entry for this variant (Variation ID: 2146535). Invitae Evidence Modeling of protein sequence and biophysical properties (such as structural, functional, and spatial information, amino acid conservation, physicochemical variation, residue mobility, and thermodynamic stability) indicates that this missense variant is not expected to disrupt CC2D2A protein function with a negative predictive value of 95%. In summary, the available evidence is currently insufficient to determine the role of this variant in disease. Therefore, it has been classified as a Variant of Uncertain Significance.

Fulgent Genetics
Classification: Uncertain significance for Meckel syndrome, type 6; Joubert syndrome 9; COACH syndrome 2; Retinitis pigmentosa 93. Last evaluated: 2024-01-20. Review status: criteria provided, single submitter. Criteria: ACMG Guidelines, 2015. Collection method: clinical testing. Allele origin: germline.

GeneDx
Classification: Uncertain significance. Last evaluated: 2023-01-24. Review status: criteria provided, single submitter. Criteria: GeneDx Variant Classification Process June 2021. Collection method: clinical testing. Allele origin: germline. Affected: yes.
Comment: In silico analysis supports that this missense variant does not alter protein structure/function; Has not been previously published as pathogenic or benign to our knowledge